The following is an entry in ClinVar:

NM_134261.3(RORA):c.626_627del (p.Pro209fs)

Genes: RORA-AS1 (RORA antisense RNA 1; plus strand), RORA (RAR related orphan receptor A; minus strand). Cytogenetic location: 15q22.2.
Variant type: Deletion.
Coding change: c.626_627del on transcript NM_134261.3 (MANE Select); coding-DNA positions 626 to 627, 2 bases deleted (CT; older notation c.626_627delCT).
Protein change: p.Pro209fs; shifts the reading frame from proline 209.
Molecular consequence: frameshift variant.
Genome position (GRCh38, 1-based): chr15:60,511,419-60,511,420, AG deleted on the plus strand (CT on the coding strand, the reverse complement: RORA is on the minus strand). VCF-style (leftmost placement, unchanged base first): chr15-60511418-CAG-C. GRCh37 (hg19) VCF-style: chr15-60803617-CAG-C.
Other names: c.701_702del, p.Pro234fs (NM_002943.4); c.725_726del, p.Pro242fs (NM_134260.3); c.461_462del, p.Pro154fs (NM_134262.3); short protein forms P154fs, P209fs, P234fs, P242fs.
Identifiers: ClinVar variation 1098413 (VCV001098413.7), dbSNP rs2141319872, ClinGen allele CA2499223035.
Genomic context (GRCh38, chr15:60,511,418, plus strand): 5'-CTGGGGAAGGCTGTATGTCCAGGTAGAAGCTGCTGACGGCGGAGTCTGCCTTACTCCCCT[CAG>C]GGGTGTGCCCGTCAATGTAGTTACTGAGGTCGTCGTGAAGTTCCGTCAGCCCGTTGGCCG-3'

ClinVar aggregate classification (germline): Conflicting classifications of pathogenicity. Review status: criteria provided, conflicting classifications (1 of 4 stars). 7 submissions from 7 submitters: Pathogenic (4); Likely pathogenic (1); Uncertain significance (2). Last evaluated 2026-04-29.

Conditions:
Intellectual developmental disorder with or without epilepsy or cerebellar ataxia. Identifiers: MedGen C4748041, MONDO:0060745, OMIM 618060.
Neurodevelopmental disorder. Identifiers: MedGen C1535926, MeSH D065886, MONDO:0700092.

Submissions (7):

Greenwood Genetic Center Diagnostic Laboratories, Greenwood Genetic Center
Classification: Pathogenic for Intellectual developmental disorder with or without epilepsy or cerebellar ataxia. Last evaluated: 2026-04-29. Review status: criteria provided, single submitter. Criteria: ACMG Guidelines, 2015. Collection method: clinical testing. Allele origin: germline. Affected: yes.
Comment: PVS1, PS2, PS4_Supporting, PM2

GeneDx
Classification: Pathogenic. Last evaluated: 2024-04-05. Review status: criteria provided, single submitter. Criteria: GeneDx Variant Classification Process June 2021. Collection method: clinical testing. Allele origin: germline. Affected: yes.
Comment: Frameshift variant predicted to result in protein truncation or nonsense mediated decay in a gene for which loss of function is a known mechanism of disease; Not observed at significant frequency in large population cohorts (gnomAD); Has not been previously published as pathogenic or benign to our knowledge

Laboratory of Molecular Genetics (Pr. Bezieau's lab), CHU de Nantes
Classification: Likely pathogenic for Neurodevelopmental disorder. Last evaluated: 2022-05-25. Review status: criteria provided, single submitter. Criteria: ACMG Guidelines, 2015. Collection method: clinical testing. Allele origin: germline. Affected: yes.

Provincial Medical Genetics Program of British Columbia, University of British Columbia
Classification: Uncertain significance for Intellectual developmental disorder with or without epilepsy or cerebellar ataxia. Last evaluated: 2022-01-01. Review status: criteria provided, single submitter. Criteria: ACMG Guidelines, 2015. Collection method: clinical testing. Allele origin: maternal. Affected: yes.

Centre of Medical Genetics, University Hospital Muenster
Classification: Pathogenic. Last evaluated: 2021-12-08. Review status: criteria provided, single submitter. Criteria: ACMG Guidelines, 2015. Collection method: clinical testing. Allele origin: unknown. Affected: yes. Observed: 1 variant allele, 1 heterozygote.
Comment: ACMG categories: PVS1,PM2,PP5

Genetics Laboratory, UDIAT-Centre Diagnòstic, Hospital Universitari Parc Tauli
Classification: Pathogenic. Last evaluated: 2021-04-26. Review status: criteria provided, single submitter. Criteria: Parc Tauli Hospital Assertion Criteria 2021. Collection method: clinical testing. Allele origin: de novo. Inheritance: Autosomal dominant inheritance. Affected: yes. Observed: 1 heterozygote.
Comment: PVS1_very strong;PM2_supporting;PM6_moderate

Blueprint Genetics
Classification: Uncertain significance. Last evaluated: 2021-02-22. Review status: criteria provided, single submitter. Criteria: ACMG Guidelines, 2015. Collection method: clinical testing. Allele origin: germline.